The following is an entry in ClinVar:

ClinVar aggregate classification (germline): Uncertain significance (1 of 4 stars; one submission).

Conditions:
Medulloblastoma (MDB). Also called: MEDULLOBLASTOMA PREDISPOSITION SYNDROME; Medulloblastoma, somatic. Identifiers: Orphanet 616, MedGen C0025149, MeSH D008527, MONDO:0007959, OMIM 155255, HP:0002885.
Gorlin syndrome. Also called: Nevoid Basal Cell Carcinoma Syndrome; Basal cell nevus syndrome. Identifiers: Orphanet 377, MedGen C0004779, MONDO:0007187.

Submission:

Labcorp Genetics (formerly Invitae), Labcorp
Classification: Uncertain significance for Gorlin syndrome; Medulloblastoma. Last evaluated: 2023-09-22. Review status: criteria provided, single submitter. Criteria: Invitae Variant Classification Sherloc (09022015). Collection method: clinical testing. Allele origin: germline.
Comment: This sequence change replaces proline, which is neutral and non-polar, with arginine, which is basic and polar, at codon 341 of the SUFU protein (p.Pro341Arg). This variant is not present in population databases (gnomAD no frequency). This variant has not been reported in the literature in individuals affected with SUFU-related conditions. An algorithm developed to predict the effect of missense changes on protein structure and function (PolyPhen-2) suggests that this variant is likely to be tolerated. In summary, the available evidence is currently insufficient to determine the role of this variant in disease. Therefore, it has been classified as a Variant of Uncertain Significance.

NM_016169.4(SUFU):c.1022C>G (p.Pro341Arg)

Gene: SUFU (SUFU negative regulator of hedgehog signaling; plus strand). Cytogenetic location: 10q24.32.
Variant type: single nucleotide variant.
Coding change: c.1022C>G on transcript NM_016169.4 (MANE Select); coding-DNA position 1022, C replaced by G.
Protein change: p.Pro341Arg; replaces proline 341 with arginine.
Molecular consequence: missense variant.
Genome position (GRCh38, 1-based): chr10:102,599,544, C>G. VCF-style: chr10-102599544-C-G. GRCh37 (hg19) VCF-style: chr10-104359301-C-G.
Other names: c.1022C>G, p.Pro341Arg (NM_001178133.2); short protein forms P341R.
Identifiers: ClinVar variation 2952167 (VCV002952167.3), dbSNP rs587778699, ClinGen allele CA377911214.